The following continues an entry in ClinVar:

NM_000059.4(BRCA2):c.3922G>T (p.Glu1308Ter)

Gene: BRCA2. ClinVar aggregate classification (germline): Pathogenic. Pathogenic (1).

Submissions 8 to 23 of 23:

Color Diagnostics, LLC DBA Color Health
Classification: Pathogenic for Hereditary cancer-predisposing syndrome. Last evaluated: 2024-02-05. Review status: criteria provided, single submitter. Criteria: ACMG Guidelines, 2015. Collection method: clinical testing. Allele origin: germline. Not counted in ClinVar's aggregate classification.
Comment: This variant changes 1 nucleotide in exon 11 of the BRCA2 gene, creating a premature translation stop signal. This variant is expected to result in an absent or non-functional protein product. This variant has been reported in over 20 individuals and families affected with breast and ovarian cancer (PMID: 12655567, 12955716, 19241424, 20033483, 21508395, 22682623, 23479189, 26026974, 26543556, 28008555, 28724667, 28993434, 33471991), including an individual affected with bilateral breast cancer and pancreatic cancer (PMID: 21508395). This variant also has been reported in one individual each affected with prostate and pancreatic cancer (PMID: 24737347, 27433846). This variant has been reported in trans with a second pathogenic BRCA2 mutation (p.Gln3066*) in an individual affected with the recessive disease Fanconi anemia (PMID: 14559878). This variant has been identified in 1/31390 chromosomes in the general population by the Genome Aggregation Database (gnomAD). Loss of BRCA2 function is a known mechanism of disease. Based on the available evidence, this variant is classified as Pathogenic.

Revvity Omics, Revvity
Classification: Pathogenic. Last evaluated: 2023-08-31. Review status: criteria provided, single submitter. Criteria: ACMG Guidelines, 2015. Collection method: clinical testing. Allele origin: germline. Not counted in ClinVar's aggregate classification.

Institute of Human Genetics, University of Leipzig Medical Center
Classification: Pathogenic for Breast-ovarian cancer, familial, susceptibility to, 2. Last evaluated: 2023-08-14. Review status: criteria provided, single submitter. Criteria: ACMG Guidelines, 2015. Collection method: clinical testing. Allele origin: paternal. Inheritance: Autosomal dominant inheritance. Affected: yes. Not counted in ClinVar's aggregate classification.
Comment: Criteria applied: PVS1,PS4,PM2_SUP

Quest Diagnostics Nichols Institute San Juan Capistrano
Classification: Pathogenic. Last evaluated: 2023-06-01. Review status: criteria provided, single submitter. Criteria: Quest Diagnostics criteria. Collection method: clinical testing. Allele origin: unknown. Not counted in ClinVar's aggregate classification.
Comment: The BRCA2 c.3922G>T (p.Glu1308*) variant causes the premature termination of BRCA2 protein synthesis. This variant has been reported in the published literature in individuals with breast cancer (PMIDs: 28993434 (2018), 28477318 (2017), 28724667 (2017)), prostate cancer (PMID: 27433846 (2016)), and pancreatic cancer (PMID: 24737347 (2014)). The frequency of this variant in the general population, 0.000032 (1/31390 chromosomes (Genome Aggregation Database)), is consistent with pathogenicity. Based on the available information, this variant is classified as pathogenic.

Sema4
Classification: Pathogenic for Hereditary cancer-predisposing syndrome. Last evaluated: 2021-06-13. Review status: criteria provided, single submitter. Criteria: Sema4 Curation Guidelines. Collection method: curation. Allele origin: germline. Not counted in ClinVar's aggregate classification.
Comment: The BRCA2 c.3922G>T (p.E1308X) has been reported in heterozygosity in numerous individuals with breast cancer, including male breast cancer and at least one individual with prostate cancer (PMID: 12655567, 12955716, 23479189, 22682623, 20033483, 27433846). This variant has also been reported in compound heterozygosity in an individual with Fanconi anemia (PMID: 14559878). This nonsense variant creates a premature stop codon at residue 1308 of the BRCA2 protein. Loss of function variants in BRCA1 or BRCA2 are known to be pathogenic (PMID: 29446198). This variant was observed in 1/31390 chromosomes in the total population according to the Genome Aggregation Database (PMID: 32461654). This variant has been reported in ClinVar (Variation ID: 37867). Based on the current evidence available, this variant is interpreted as pathogenic.

Division Of Personalized Genomic Medicine, Columbia University Irving Medical Center
Classification: Pathogenic for Breast-ovarian cancer, familial, susceptibility to, 2. Last evaluated: 2020-02-25. Review status: criteria provided, single submitter. Criteria: ACMG Guidelines, 2015. Collection method: clinical testing. Allele origin: germline. Inheritance: Autosomal dominant inheritance. Affected: no. Observed: 1 heterozygote. Not counted in ClinVar's aggregate classification.
Comment: The c.3922G>T variant in the BRCA2 gene is a is a single base pair substitution at nucleotide 3922 in exon 11 of 27 of the gene, resulting in a premature truncation of the protein at amino acid 1308 of 3419 (p.Glu1308Ter), and is expected to cause nonsense mediated mRNA decay. This variant has been observed in the GenomeAggregationDatabase (gnomAD) at a very low frequency (1/31,390), indicating it is not a common benign variant in the populations represented in this database. This variant has been reported in the heterozygous state in individuals with a personal and family history of early-onset breast and ovarian cancer (including PMIDs: 12655567, 17925560, 19241424, 12955716, 23479189, 28724667) male breast cancer (PMIDs: 26026974, 28008555, 31892343), prostate cancer (PMID: 27433846) as well as pancreatic cancer (PMID: 24737347). This variant has also been seen in the compound heterozygous state in an individual with autosomal recessive Fanconi anemia (PMIDs: 14559878) and an individual with pediatric myelodysplastic syndrome (PMID: 29146900).

GeneDx
Classification: Pathogenic. Last evaluated: 2019-11-20. Review status: criteria provided, single submitter. Criteria: GeneDx Variant Classification Process June 2021. Collection method: clinical testing. Allele origin: germline. Affected: yes. Not counted in ClinVar's aggregate classification.
Comment: Reported in several individuals with a personal or family history of breast and/or ovarian cancer and is considered a recurrent variant in Hispanic individuals (Vogel 2007, Dutil 2012, de Juan Jimenez 2013); Observed with a pathogenic BRCA2 variant on the opposite allele (in trans) in a child with Fanconi anemia (Offit 2003); Nonsense variant predicted to result in protein truncation or nonsense mediated decay in a gene for which loss-of-function is a known mechanism of disease; Not observed at a significant frequency in large population cohorts (gnomAD); Truncating variants in this gene are considered pathogenic by a well-established clinical consortium and/or database; Also known as 4150G>T; This variant is associated with the following publications: (PMID: 23479189, 12955716, 28127413, 28008555, 29446198, 25525159, 19241424, 17925560, 22682623, 24737347, 12655567, 26681312, 20609467, 26564481, 14684619, 26064523, 26543556, 28477318, 26026974, 27433846, 25085752, 26556299, 28724667, 28993434, 30720243, 30702160, 31589614, 31825140, 32719484, 33084842, 30787465, 14559878)

Genologica Medica
Classification: Pathogenic for Breast-ovarian cancer, familial, susceptibility to, 2. Last evaluated: 2017-01-01. Review status: criteria provided, single submitter. Criteria: ACMG Guidelines, 2015. Collection method: clinical testing. Allele origin: germline. Affected: yes. Not counted in ClinVar's aggregate classification.

Women's Health and Genetics/Laboratory Corporation of America, LabCorp
Classification: Pathogenic for Hereditary breast ovarian cancer syndrome. Last evaluated: 2016-06-20. Review status: criteria provided, single submitter. Criteria: LabCorp Variant Classification Summary - May 2015. Collection method: clinical testing. Allele origin: germline. Not counted in ClinVar's aggregate classification.
Comment: Variant summary: The BRCA2 c.3922G>T (p.Glu1308X) variant results in a premature termination codon, predicted to cause a truncated or absent BRCA2 protein due to nonsense mediated decay, which are commonly known mechanisms for disease. Truncations downstream of this position have been classified as pathogenic by our laboratory (e.g.c.3967A>T/p.Lys1323X, c.4222C>T/p.Gln1408X). One in silico tool predicts a damaging outcome for this variant. This variant has been reported in numerous breast cancer patients and is absent in 88146 control chromosomes. In addition, multiple clinical diagnostic laboratories/reputable databases classified this variant as pathogenic. Taken together, this variant is classified as pathogenic.

Consortium of Investigators of Modifiers of BRCA1/2 (CIMBA), c/o University of Cambridge
Classification: Pathogenic for Breast-ovarian cancer, familial, susceptibility to, 2. Last evaluated: 2015-10-02. Review status: criteria provided, single submitter. Criteria: CIMBA Mutation Classification guidelines May 2016. Collection method: clinical testing. Allele origin: germline. Not counted in ClinVar's aggregate classification.

Eurofins Ntd Llc (ga)
Classification: Pathogenic. Last evaluated: 2015-07-06. Review status: criteria provided, single submitter. Criteria: EGL Classification Definitions 2015. Collection method: clinical testing. Allele origin: germline. Observed: 11 variant alleles, 11 heterozygotes. Not counted in ClinVar's aggregate classification.

Counsyl
Classification: Pathogenic for Breast-ovarian cancer, familial, susceptibility to, 2. Last evaluated: 2015-12-28. Review status: no assertion criteria provided. Collection method: clinical testing. Allele origin: unknown. Not counted in ClinVar's aggregate classification.

Pathway Genomics
Classification: Pathogenic for Breast-ovarian cancer, familial 2. Last evaluated: 2014-11-06. Review status: no assertion criteria provided. Collection method: clinical testing. Allele origin: germline. Not counted in ClinVar's aggregate classification.

Research Molecular Genetics Laboratory, Women's College Hospital, University of Toronto
Classification: Pathogenic for Hereditary breast ovarian cancer syndrome. Last evaluated: 2014-01-31. Review status: no assertion criteria provided. Collection method: research. Allele origin: germline. Affected: yes. Study: The Canadian Open Genetics Repository (COGR). Not counted in ClinVar's aggregate classification.

Sharing Clinical Reports Project (SCRP)
Classification: Pathogenic for Breast-ovarian cancer, familial 2. Last evaluated: 2012-07-27. Review status: no assertion criteria provided. Collection method: clinical testing. Allele origin: germline. Not counted in ClinVar's aggregate classification.

Breast Cancer Information Core (BIC) (BRCA2)
Classification: Pathogenic for Breast-ovarian cancer, familial 2. Last evaluated: 2002-05-29. Review status: no assertion criteria provided. Collection method: clinical testing. Allele origin: germline. Affected: yes. Observed: 15 variant alleles. Not counted in ClinVar's aggregate classification.

Literature cited by the submitters: PubMed 20104584 (cited by Labcorp Genetics (formerly Invitae), Labcorp); PubMed 12655567 (cited by 8 submitters); PubMed 12955716 (cited by 7 submitters); PubMed 14559878 (cited by 6 submitters); PubMed 20033483 (cited by 6 submitters); PubMed 22682623 (cited by 7 submitters); PubMed 23479189 (cited by 7 submitters); PubMed 27433846 (cited by 7 submitters); PubMed 28008555 (cited by 4 submitters); PubMed 19241424 (cited by 4 submitters); PubMed 21508395 (cited by All of Us Research Program, National Institutes of Health and Color Diagnostics, LLC DBA Color Health); PubMed 24737347 (cited by 5 submitters); PubMed 26026974 (cited by 4 submitters); PubMed 26543556 (cited by 3 submitters); PubMed 28724667 (cited by 4 submitters); PubMed 28993434 (cited by 4 submitters); PubMed 33471991 (cited by All of Us Research Program, National Institutes of Health and Color Diagnostics, LLC DBA Color Health); PubMed 28477318 (cited by Ambry Genetics and Quest Diagnostics Nichols Institute San Juan Capistrano); PubMed 25085752 (cited by Quest Diagnostics Nichols Institute San Juan Capistrano); PubMed 16758124 (cited by Quest Diagnostics Nichols Institute San Juan Capistrano); PubMed 36370215 (cited by Quest Diagnostics Nichols Institute San Juan Capistrano); PubMed 35451682 (cited by Quest Diagnostics Nichols Institute San Juan Capistrano); PubMed 26295337 (cited by Quest Diagnostics Nichols Institute San Juan Capistrano); PubMed 29446198 (cited by Sema4); PubMed 17925560 (cited by Division Of Personalized Genomic Medicine, Columbia University Irving Medical Center and Women's Health and Genetics/Laboratory Corporation of America, LabCorp); PubMed 31892343 (cited by Division Of Personalized Genomic Medicine, Columbia University Irving Medical Center); PubMed 16115142 (cited by Women's Health and Genetics/Laboratory Corporation of America, LabCorp); PubMed 19530235 (cited by Women's Health and Genetics/Laboratory Corporation of America, LabCorp); PubMed 22109874 (cited by Women's Health and Genetics/Laboratory Corporation of America, LabCorp); PubMed 23929434 (cited by Women's Health and Genetics/Laboratory Corporation of America, LabCorp).